The following is an entry in ClinVar:

ClinVar aggregate classification (germline): Pathogenic (1 of 4 stars; one submission).

Allele frequency attached by ClinVar (database versions not stated): gnomAD exomes below 0.00001.

Submission:

Labcorp Genetics (formerly Invitae), Labcorp
Classification: Pathogenic. Last evaluated: 2022-12-05. Review status: criteria provided, single submitter. Criteria: Invitae Variant Classification Sherloc (09022015). Collection method: clinical testing. Allele origin: germline.
Comment: For these reasons, this variant has been classified as Pathogenic. This variant has not been reported in the literature in individuals affected with SI-related conditions. This variant is not present in population databases (gnomAD no frequency). This sequence change creates a premature translational stop signal (p.Ala714Glufs*33) in the SI gene. It is expected to result in an absent or disrupted protein product. Loss-of-function variants in SI are known to be pathogenic (PMID: 16329100, 23103650, 25452324).

Literature cited by the submitters: PubMed 16329100; PubMed 23103650; PubMed 25452324.

NM_001041.4(SI):c.2141del (p.Ala714fs)

Gene: SI (sucrase-isomaltase; minus strand). Cytogenetic location: 3q26.1.
Variant type: Deletion.
Coding change: c.2141del on transcript NM_001041.4 (MANE Select); coding-DNA position 2141, one base deleted (C; older notation c.2141delC).
Protein change: p.Ala714fs; shifts the reading frame from alanine 714.
Molecular consequence: frameshift variant.
Genome position (GRCh38, 1-based): chr3:165,040,958, G deleted on the plus strand (C on the coding strand, the reverse complement: SI is on the minus strand). VCF-style (leftmost placement, unchanged base first): chr3-165040957-TG-T. GRCh37 (hg19) VCF-style: chr3-164758745-TG-T.
Other names: short protein forms A714fs.
Identifiers: ClinVar variation 2818747 (VCV002818747.3), dbSNP rs2473351517, ClinGen allele CA2668421327.